The following is an entry in ClinVar:

ClinVar aggregate classification (germline): Likely benign (1 of 4 stars; one submission).

Conditions:
FOXC1-related disorder. Also called: FOXC1-related condition.

Submission:

PreventionGenetics, part of Exact Sciences
Classification: Likely benign for FOXC1-related condition. Last evaluated: 2025-04-29. Review status: criteria provided, single submitter. Criteria: ACMG Guidelines, 2015. Collection method: clinical testing. Allele origin: germline.
Comment: This variant is classified as likely benign based on ACMG/AMP sequence variant interpretation guidelines (Richards et al. 2015 PMID: 25741868, with internal and published modifications).

NM_001453.3(FOXC1):c.-435C>T

Genes: FOXC1 (forkhead box C1; plus strand), LOC129995600 (ATAC-STARR-seq lymphoblastoid silent region 16824; plus strand). Cytogenetic location: 6p25.3.
Variant type: single nucleotide variant.
Coding change: c.-435C>T on transcript NM_001453.3 (MANE Select); 435 bases upstream of the start codon, C replaced by T.
Molecular consequence: 5 prime UTR variant.
Genome position (GRCh38, 1-based): chr6:1,610,011, C>T. VCF-style: chr6-1610011-C-T. GRCh37 (hg19) VCF-style: chr6-1610246-C-T.
Identifiers: ClinVar variation 4982359 (VCV004982359.1).
Genomic context (GRCh38, chr6:1,610,011, plus strand): 5'-AGCGGCTGGCGCGCGAGAGACCGAGAAAAGGTGACGCGGGGCCCGGGCAGGCGGCCGGCG[C>T]GCGGCCCCCCCCCCCCCCGCCCTGGTTATTTGGCCGCCTTCGCCGGCAGCTCAGGGCAGA-3'